The following is an entry in ClinVar:

NM_013432.5(TONSL):c.3735+4C>G

Gene: TONSL (tonsoku like, DNA repair protein; minus strand). Cytogenetic location: 8q24.3.
Variant type: single nucleotide variant.
Coding change: c.3735+4C>G on transcript NM_013432.5 (MANE Select); 4 bases into the intron after coding-DNA position 3735, C replaced by G.
Molecular consequence: intron variant.
Genome position (GRCh38, 1-based): chr8:144,432,281, G>C on the plus strand (C>G on the coding strand, the complement: TONSL is on the minus strand). VCF-style: chr8-144432281-G-C. GRCh37 (hg19) VCF-style: chr8-145657664-G-C.
Identifiers: ClinVar variation 2097919 (VCV002097919.3), dbSNP rs974490798, ClinGen allele CA2580078738.

ClinVar aggregate classification (germline): Uncertain significance (1 of 4 stars; one submission).

Submission:

Labcorp Genetics (formerly Invitae), Labcorp
Classification: Uncertain significance. Last evaluated: 2022-06-15. Review status: criteria provided, single submitter. Criteria: Invitae Variant Classification Sherloc (09022015). Collection method: clinical testing. Allele origin: germline.
Comment: In summary, the available evidence is currently insufficient to determine the role of this variant in disease. Therefore, it has been classified as a Variant of Uncertain Significance. Variants that disrupt the consensus splice site are a relatively common cause of aberrant splicing (PMID: 17576681, 9536098). Algorithms developed to predict the effect of sequence changes on RNA splicing suggest that this variant is not likely to affect RNA splicing. This variant has not been reported in the literature in individuals affected with TONSL-related conditions. This variant is not present in population databases (gnomAD no frequency). This sequence change falls in intron 23 of the TONSL gene. It does not directly change the encoded amino acid sequence of the TONSL protein. It affects a nucleotide within the consensus splice site.

Literature cited by the submitters: PubMed 17576681; PubMed 9536098.